The following is an entry in ClinVar:

NM_145059.3(FCSK):c.309C>A (p.Asp103Glu)

Gene: FCSK (fucose kinase; plus strand). Cytogenetic location: 16q22.1.
Variant type: single nucleotide variant.
Coding change: c.309C>A on transcript NM_145059.3 (MANE Select); coding-DNA position 309, C replaced by A.
Protein change: p.Asp103Glu; replaces aspartic acid 103 with glutamic acid.
Molecular consequence: missense variant.
Genome position (GRCh38, 1-based): chr16:70,466,155, C>A. VCF-style: chr16-70466155-C-A. GRCh37 (hg19) VCF-style: chr16-70500058-C-A.
Other names: short protein forms D103E.
Identifiers: ClinVar variation 3278429 (VCV003278429.3).

ClinVar aggregate classification (germline): Uncertain significance. Review status: criteria provided, multiple submitters, no conflicts (2 of 4 stars). 2 submissions from 2 submitters: Uncertain significance (2). Last evaluated 2024-11-19.

Submissions (2):

Labcorp Genetics (formerly Invitae), Labcorp
Classification: Uncertain significance. Last evaluated: 2024-11-19. Review status: criteria provided, single submitter. Criteria: Invitae Variant Classification Sherloc (09022015). Collection method: clinical testing. Allele origin: germline.
Comment: This sequence change replaces aspartic acid, which is acidic and polar, with glutamic acid, which is acidic and polar, at codon 103 of the FUK protein (p.Asp103Glu). This variant is not present in population databases (gnomAD no frequency). This variant has not been reported in the literature in individuals affected with FUK-related conditions. An algorithm developed to predict the effect of missense changes on protein structure and function (PolyPhen-2) suggests that this variant is likely to be tolerated. In summary, the available evidence is currently insufficient to determine the role of this variant in disease. Therefore, it has been classified as a Variant of Uncertain Significance.

Ambry Genetics
Classification: Uncertain significance. Last evaluated: 2024-03-25. Review status: criteria provided, single submitter. Criteria: Ambry Variant Classification Scheme 2023. Collection method: clinical testing. Allele origin: germline.